The following is an entry in ClinVar:

NM_001165963.4(SCN1A):c.3341C>T (p.Thr1114Ile)

Genes: SCN1A (sodium voltage-gated channel alpha subunit 1; minus strand), LOC102724058 (uncharacterized LOC102724058; plus strand). Cytogenetic location: 2q24.3.
Variant type: single nucleotide variant.
Coding change: c.3341C>T on transcript NM_001165963.4 (MANE Select); coding-DNA position 3341, C replaced by T.
Protein change: p.Thr1114Ile; replaces threonine 1114 with isoleucine.
Molecular consequence: missense variant. On other transcripts: non-coding transcript variant (2).
Genome position (GRCh38, 1-based): chr2:166,036,136, G>A on the plus strand (C>T on the coding strand, the complement: SCN1A is on the minus strand). VCF-style: chr2-166036136-G-A. GRCh37 (hg19) VCF-style: chr2-166892646-G-A.
Other names: c.3257C>T, p.Thr1086Ile (NM_001165964.3, NM_001353957.2, NM_001353958.2); c.3341C>T, p.Thr1114Ile (NM_001202435.3, NM_001353948.2); c.3308C>T, p.Thr1103Ile (NM_001353949.2, NM_001353950.2, NM_001353951.2 and 2 more transcripts); c.3305C>T, p.Thr1102Ile (NM_001353954.2, NM_001353955.2); c.3254C>T, p.Thr1085Ile (NM_001353960.2); c.899C>T, p.Thr300Ile (NM_001353961.2); short protein forms T1085I, T1086I, T1102I, T1103I, T1114I, T300I.
Identifiers: ClinVar variation 1714006 (VCV001714006.5), dbSNP rs772520361, ClinGen allele CA349059264.

ClinVar aggregate classification (germline): Uncertain significance (1 of 4 stars; one submission).

Conditions:
Early-infantile DEE. Also called: Early infantile epileptic encephalopathy with suppression bursts; Early infantile epileptic encephalopathy; Ohtahara syndrome. Identifiers: Orphanet 1934, MedGen C0393706, MONDO:0800491.

Allele frequency attached by ClinVar (database versions not stated): TOPMed below 0.00001.

Submission:

Labcorp Genetics (formerly Invitae), Labcorp
Classification: Uncertain significance for Early-infantile DEE. Last evaluated: 2025-03-22. Review status: criteria provided, single submitter. Criteria: Invitae Variant Classification Sherloc (09022015). Collection method: clinical testing. Allele origin: germline.
Comment: This sequence change replaces threonine, which is neutral and polar, with isoleucine, which is neutral and non-polar, at codon 1114 of the SCN1A protein (p.Thr1114Ile). This variant is not present in population databases (gnomAD no frequency). This variant has not been reported in the literature in individuals affected with SCN1A-related conditions. ClinVar contains an entry for this variant (Variation ID: 1714006). Invitae Evidence Modeling of protein sequence and biophysical properties (such as structural, functional, and spatial information, amino acid conservation, physicochemical variation, residue mobility, and thermodynamic stability) has been performed for this missense variant. However, the output from this modeling did not meet the statistical confidence thresholds required to predict the impact of this variant on SCN1A protein function. In summary, the available evidence is currently insufficient to determine the role of this variant in disease. Therefore, it has been classified as a Variant of Uncertain Significance.